The following is an entry in ClinVar:

NM_024577.4(SH3TC2):c.283C>T (p.Leu95Phe)

Gene: SH3TC2 (SH3 domain and tetratricopeptide repeats 2; minus strand). Cytogenetic location: 5q32.
Variant type: single nucleotide variant.
Coding change: c.283C>T on transcript NM_024577.4 (MANE Select); coding-DNA position 283, C replaced by T.
Protein change: p.Leu95Phe; replaces leucine 95 with phenylalanine.
Molecular consequence: missense variant.
Genome position (GRCh38, 1-based): chr5:149,044,635, G>A on the plus strand (C>T on the coding strand, the complement: SH3TC2 is on the minus strand). VCF-style: chr5-149044635-G-A. GRCh37 (hg19) VCF-style: chr5-148424198-G-A.
Other names: short protein forms L95F.
Identifiers: ClinVar variation 949500 (VCV000949500.11), dbSNP rs541695222, ClinGen allele CA361677027.

ClinVar aggregate classification (germline): Uncertain significance. Review status: criteria provided, multiple submitters, no conflicts (2 of 4 stars). 2 submissions from 2 submitters: Uncertain significance (2). Last evaluated 2022-07-18.

Conditions:
Charcot-Marie-Tooth disease type 4. Also called: Charcot-Marie-Tooth, Type 4; Charcot-Marie-Tooth disease, type IV. Identifiers: Orphanet 64749, MedGen C4082197, MONDO:0018995.

Submissions (2):

Labcorp Genetics (formerly Invitae), Labcorp
Classification: Uncertain significance for Charcot-Marie-Tooth disease type 4. Last evaluated: 2022-07-18. Review status: criteria provided, single submitter. Criteria: Invitae Variant Classification Sherloc (09022015). Collection method: clinical testing. Allele origin: germline.
Comment: In summary, the available evidence is currently insufficient to determine the role of this variant in disease. Therefore, it has been classified as a Variant of Uncertain Significance. Advanced modeling of protein sequence and biophysical properties (such as structural, functional, and spatial information, amino acid conservation, physicochemical variation, residue mobility, and thermodynamic stability) performed at Invitae indicates that this missense variant is not expected to disrupt SH3TC2 protein function. ClinVar contains an entry for this variant (Variation ID: 949500). This missense change has been observed in individual(s) with clinical features of SH3TC2-related conditions (Invitae). This variant is not present in population databases (gnomAD no frequency). This sequence change replaces leucine, which is neutral and non-polar, with phenylalanine, which is neutral and non-polar, at codon 95 of the SH3TC2 protein (p.Leu95Phe).

GeneDx
Classification: Uncertain significance. Last evaluated: 2020-02-16. Review status: criteria provided, single submitter. Criteria: GeneDx Variant Classification Process June 2021. Collection method: clinical testing. Allele origin: germline. Affected: yes.
Comment: Not observed in large population cohorts (Lek et al., 2016); In silico analysis supports that this missense variant has a deleterious effect on protein structure/function; Has not been previously published as pathogenic or benign to our knowledge